The following is an entry in ClinVar:

NM_017849.4(TMEM127):c.245-1G>C

Gene: TMEM127 (transmembrane protein 127; minus strand). Cytogenetic location: 2q11.2.
Variant type: single nucleotide variant.
Coding change: c.245-1G>C on transcript NM_017849.4 (MANE Select); the canonical splice acceptor site of the intron before coding-DNA position 245, G replaced by C.
Molecular consequence: splice acceptor variant.
Genome position (GRCh38, 1-based): chr2:96,254,998, C>G on the plus strand (G>C on the coding strand, the complement: TMEM127 is on the minus strand). VCF-style: chr2-96254998-C-G. GRCh37 (hg19) VCF-style: chr2-96920736-C-G.
Other names: c.-8-1G>C (NM_001407283.1, NM_001407282.1); c.245-1G>C (NM_001193304.3).
Identifiers: ClinVar variation 571215 (VCV000571215.17), dbSNP rs121908821, ClinGen allele CA347653758.

ClinVar aggregate classification (germline): Pathogenic/Likely pathogenic. Review status: criteria provided, multiple submitters, no conflicts (2 of 4 stars). 7 submissions from 7 submitters: Pathogenic (4); Likely pathogenic (3). Last evaluated 2025-12-14.

Conditions:
Hereditary cancer-predisposing syndrome. Also called: Neoplastic Syndromes, Hereditary; Hereditary Cancer Syndrome; Tumor predisposition; Hereditary neoplastic syndrome. Identifiers: Orphanet 140162, MedGen C0027672, MeSH D009386, MONDO:0015356.
Pheochromocytoma. Also called: MAX-Related Hereditary Paraganglioma-Pheochromocytoma Syndrome. Identifiers: Orphanet 29072, MedGen C0031511, MONDO:0008233, OMIM 171300, HP:0002666.
Hereditary pheochromocytoma and paraganglioma. Also called: Hereditary Paraganglioma-Pheochromocytoma Syndromes; Hereditary paragangliomas and pheochromocytomas; Hereditary pheochromocytoma-paraganglioma. Identifiers: Orphanet 29072, MedGen C4274332, MONDO:0017366.
TMEM127-related tumor predisposition. Identifiers: MedGen CN379765, MONDO:0700345.

Allele frequency attached by ClinVar (database versions not stated): gnomAD 0.00003 and 0.00004; gnomAD exomes 0.00001; TOPMed 0.00001.
gnomAD v4.1: 7 of 1,614,058 alleles (0.00043%); highest among the groups gnomAD compares: African/African-American, 0.0093%; no homozygotes.

Submissions (7):

Labcorp Genetics (formerly Invitae), Labcorp
Classification: Pathogenic for Hereditary pheochromocytoma and paraganglioma. Last evaluated: 2025-12-14. Review status: criteria provided, single submitter. Criteria: Invitae Variant Classification Sherloc (09022015). Collection method: clinical testing. Allele origin: germline.
Comment: This sequence change affects an acceptor splice site in intron 2 of the TMEM127 gene. RNA analysis indicates that disruption of this splice site induces altered splicing and may result in an absent or altered protein product. This variant is present in population databases (no rsID available, gnomAD 0.02%). Disruption of this splice site has been observed in individual(s) with bilateral pheochromocytoma (PMID: 20154675). ClinVar contains an entry for this variant (Variation ID: 571215). Studies have shown that disruption of this splice site results in activation of a cryptic splice site, and produces a non-functional protein and/or introduces a premature termination codon (internal data). For these reasons, this variant has been classified as Pathogenic.

Clinical Genomic Analysis (GENYSIS) Core, University of North Carolina at Chapel Hill
Classification: Pathogenic for Hereditary pheochromocytoma and paraganglioma. Last evaluated: 2025-10-07. Review status: criteria provided, single submitter. Criteria: ACMG Guidelines, 2015. Collection method: research. Allele origin: maternal. Observed: 1 heterozygote. Study: UNC Genetic Determinants of Neurological and Developmental Disorders (GDNDD) Study.
Comment: TMEM127 c.245-1G>C is a canonical splice site variant in intron 2 of 3 that is predicted to result in a splice site acceptor loss and aberrant mRNA splicing. This is a rare variant present in population controls at an allele frequency of 0.0004% (7/1614058 alleles) in gnomAD4.1 and reported by several clinical labs as pathogenic or likely pathogenic in ClinVar. To our knowledge, this variant has not been previously reported in affected individuals in the literature. However, a different variant that disrupts the same splice acceptor site (c.245-1G>T) has been reported in individuals with pheochromocytomas (PMIDs 20154675, 21156949, 22136840). Given the available evidence, this variant is classified as pathogenic. ACMG codes: PVS1 (null variant), PS1_Supporting (c.245-1G>T also pathogenic), PM2_Supporting (rare in gnomAD).

Institute for Genomic Medicine (IGM) Clinical Laboratory, Nationwide Children's Hospital
Classification: Likely pathogenic for TMEM127-related tumor predisposition. Last evaluated: 2025-05-16. Review status: criteria provided, single submitter. Criteria: ACMG Guidelines, 2015. Collection method: clinical testing. Allele origin: germline.
Comment: This variant is predicted to result in loss of function through nonsense-mediated decay of the encoded transcript or premature truncation of the encoded protein in a gene in which loss of function is a known mechanism of disease (ACMG/AMP: PVS1; PMIDs:20154675, 21156949, 22419703, 22517557, 25389632, 25770152, 26960314, 28384794). This variant is absent from or present at an exceedingly low frequency in gnomAD, a large-scale control population database (ACMG/AMP: PM2).

Quest Diagnostics Nichols Institute San Juan Capistrano
Classification: Pathogenic. Last evaluated: 2024-01-09. Review status: criteria provided, single submitter. Criteria: Quest Diagnostics criteria. Collection method: clinical testing. Allele origin: unknown.
Comment: The TMEM127 c.245-1G>C variant disrupts a canonical splice-acceptor site and interferes with normal TMEM127 mRNA splicing. This variant has been reported in the published literature in individuals with breast cancer (PMID: 36655350 (2023)). Another variant that disrupts the canonical splice-acceptor site (c.245-1G>T) has also been reported in individuals with PCC and is considered pathogenic (PMID: 20154675 (2010)). The frequency of this variant in the general population, 0.00016 (4/24942 chromosomes (Genome Aggregation Database)), is consistent with pathogenicity. Based on the available information, this variant is classified as pathogenic.

Ambry Genetics
Classification: Pathogenic for Hereditary cancer-predisposing syndrome. Last evaluated: 2023-10-26. Review status: criteria provided, single submitter. Criteria: Ambry Variant Classification Scheme 2023. Collection method: clinical testing. Allele origin: germline.
Comment: The c.245-1G>C intronic pathogenic mutation results from a G to C substitution one nucleotide upstream from coding exon 2 of the TMEM127 gene. This alteration has been reported in individuals with personal history of pheochromocytoma (Ambry internal data). In silico splice site analysis predicts that this alteration will weaken the native splice acceptor site and will result in the creation or strengthening of a novel splice acceptor site. Alterations that disrupt the canonical splice site are expected to cause aberrant splicing, resulting in an abnormal protein or a transcript that is subject to nonsense-mediated mRNA decay. As such, this alteration is classified as a disease-causing mutation.

Sema4
Classification: Likely pathogenic for Hereditary cancer-predisposing syndrome. Last evaluated: 2021-08-17. Review status: criteria provided, single submitter. Criteria: Sema4 Curation Guidelines. Collection method: curation. Allele origin: germline.
Comment: The TMEM127 c.245-1G>C variant has been reported in heterozygosity in at least one individual with phaeochromocytoma (PMID: 20154675). This variant is predicted to abolish the canonical splice site leading to an abnormal or absent protein. Loss-of-function variants in TMEM127 are known to be pathogenic (PMID: 20154675, 21156949). This variant was observed in 4/24942 chromosomes in the African/African American population according to the Genome Aggregation Database (PMID: 32461654). This variant has been reported in ClinVar (Variation ID: 571215). Based on the current evidence available, this variant is interpreted as likely pathogenic.

New York Genome Center
Classification: Likely pathogenic for Pheochromocytoma. Last evaluated: 2020-06-19. Review status: criteria provided, single submitter. Criteria: NYGC Assertion Criteria 2020. Collection method: clinical testing. Allele origin: inherited. Observed: 1 heterozygote. Study: CSER-NYCKidSeq.

Literature cited by the submitters: PubMed 20154675 (cited by 5 submitters); PubMed 21156949 (cited by 3 submitters); PubMed 22136840 (cited by Clinical Genomic Analysis (GENYSIS) Core, University of North Carolina at Chapel Hill); PubMed 22419703 (cited by Institute for Genomic Medicine (IGM) Clinical Laboratory, Nationwide Children's Hospital); PubMed 22517557 (cited by Institute for Genomic Medicine (IGM) Clinical Laboratory, Nationwide Children's Hospital); PubMed 25389632 (cited by Institute for Genomic Medicine (IGM) Clinical Laboratory, Nationwide Children's Hospital); PubMed 25770152 (cited by Institute for Genomic Medicine (IGM) Clinical Laboratory, Nationwide Children's Hospital); PubMed 26960314 (cited by Institute for Genomic Medicine (IGM) Clinical Laboratory, Nationwide Children's Hospital); PubMed 28384794 (cited by Institute for Genomic Medicine (IGM) Clinical Laboratory, Nationwide Children's Hospital); PubMed 36655350 (cited by Quest Diagnostics Nichols Institute San Juan Capistrano).